The following is an entry in ClinVar:

NM_022437.3(ABCG8):c.322+6G>A

Gene: ABCG8 (ATP binding cassette subfamily G member 8; plus strand). Cytogenetic location: 2p21.
Variant type: single nucleotide variant.
Coding change: c.322+6G>A on transcript NM_022437.3 (MANE Select); 6 bases into the intron after coding-DNA position 322, G replaced by A.
Molecular consequence: intron variant.
Genome position (GRCh38, 1-based): chr2:43,846,317, G>A. VCF-style: chr2-43846317-G-A. GRCh37 (hg19) VCF-style: chr2-44073456-G-A.
Other names: c.322+6G>A (NM_001357321.2, NM_022437.2).
Identifiers: ClinVar variation 598345 (VCV000598345.12), dbSNP rs181319879, ClinGen allele CA1636964.

ClinVar aggregate classification (germline): Conflicting classifications of pathogenicity. Review status: criteria provided, conflicting classifications (1 of 4 stars). 4 submissions from 4 submitters: Uncertain significance (1); Benign (1); Likely benign (1). 1 of the submissions does not count toward it. Last evaluated 2025-06-09.

Conditions:
ABCG8-related disorder. Also called: ABCG8-related condition.

Allele frequency attached by ClinVar (database versions not stated): TOPMed 0.00003; ESP Exome Variant Server 0.00008; 1000 Genomes Project 30x 0.00016; gnomAD exomes 0.00016 and 0.00028; 1000 Genomes Project 0.00020; gnomAD 0.00021 and 0.00022; ExAC 0.00032.
gnomAD v4.1: 259 of 1,614,140 alleles (0.016%); highest among the groups gnomAD compares: Non-Finnish European, 0.0083%; 1 homozygote.

Submissions (4):

Labcorp Genetics (formerly Invitae), Labcorp
Classification: Benign. Last evaluated: 2025-06-09. Review status: criteria provided, single submitter. Criteria: Invitae Variant Classification Sherloc (09022015). Collection method: clinical testing. Allele origin: germline.

Blueprint Genetics
Classification: Likely benign. Last evaluated: 2024-10-21. Review status: criteria provided, single submitter. Criteria: ACMG Guidelines, 2015. Collection method: clinical testing. Allele origin: germline.

Eurofins Ntd Llc (ga)
Classification: Uncertain significance. Last evaluated: 2018-08-10. Review status: criteria provided, single submitter. Criteria: EGL ClinVar v180209 classification definitions. Collection method: clinical testing. Allele origin: germline. Observed: 1 variant allele, 1 heterozygote.

PreventionGenetics, part of Exact Sciences
Classification: Likely benign for ABCG8-related condition. Last evaluated: 2019-07-12. Review status: no assertion criteria provided. Collection method: clinical testing. Allele origin: germline. Not counted in ClinVar's aggregate classification.
Comment: This variant is classified as likely benign based on ACMG/AMP sequence variant interpretation guidelines (Richards et al. 2015 PMID: 25741868, with internal and published modifications).